The following is an entry in ClinVar:

ClinVar aggregate classification (germline): Likely benign. Review status: criteria provided, single submitter (1 of 4 stars). 2 submissions from 2 submitters: Likely benign (1). 1 of the submissions does not count toward it. Last evaluated 2022-12-30.

Conditions:
RPS28-related disorder. Also called: RPS28-related condition.

gnomAD v4.1: 3 of 1,612,644 alleles (0.00019%); highest among the groups gnomAD compares: Non-Finnish European, 0.000085%; no homozygotes.

Submissions (2):

Labcorp Genetics (formerly Invitae), Labcorp
Classification: Likely benign. Last evaluated: 2022-12-30. Review status: criteria provided, single submitter. Criteria: Invitae Variant Classification Sherloc (09022015). Collection method: clinical testing. Allele origin: germline.

PreventionGenetics, part of Exact Sciences
Classification: Likely benign for RPS28-related condition. Last evaluated: 2021-12-20. Review status: no assertion criteria provided. Collection method: clinical testing. Allele origin: germline. Not counted in ClinVar's aggregate classification.
Comment: This variant is classified as likely benign based on ACMG/AMP sequence variant interpretation guidelines (Richards et al. 2015 PMID: 25741868, with internal and published modifications).

NM_001031.5(RPS28):c.114G>T (p.Thr38=)

Gene: RPS28 (ribosomal protein S28; plus strand). Cytogenetic location: 19p13.2.
Variant type: single nucleotide variant.
Coding change: c.114G>T on transcript NM_001031.5 (MANE Select); coding-DNA position 114, G replaced by T.
Protein change: p.Thr38=; no amino-acid change (threonine 38 retained).
Molecular consequence: synonymous variant.
Genome position (GRCh38, 1-based): chr19:8,321,979, G>T. VCF-style: chr19-8321979-G-T. GRCh37 (hg19) VCF-style: chr19-8386863-G-T.
Other names: c.114G>T (NM_001031.4).
Identifiers: ClinVar variation 2793487 (VCV002793487.5), dbSNP rs2512627351, ClinGen allele CA505259518.